The following is an entry in ClinVar:

NM_001083962.2(TCF4):c.594G>A (p.Ser198=)

Gene: TCF4 (transcription factor 4; minus strand). Cytogenetic location: 18q21.2.
Variant type: single nucleotide variant.
Coding change: c.594G>A on transcript NM_001083962.2 (MANE Select); coding-DNA position 594, G replaced by A.
Protein change: p.Ser198=; no amino-acid change (serine 198 retained).
Molecular consequence: synonymous variant. On other transcripts: 5 prime UTR variant (1).
Genome position (GRCh38, 1-based): chr18:55,279,612, C>T on the plus strand (G>A on the coding strand, the complement: TCF4 is on the minus strand). VCF-style: chr18-55279612-C-T. GRCh37 (hg19) VCF-style: chr18-52946843-C-T.
Other names: c.900G>A, p.Ser300= (NM_001243226.3); c.522G>A, p.Ser174= (NM_001243227.2, NM_001306207.1, NM_001348217.1 and 9 more transcripts); c.612G>A, p.Ser204= (NM_001243228.2); c.588G>A, p.Ser196= (NM_001243230.2); c.468G>A, p.Ser156= (NM_001243231.2, NM_001348211.2); c.381G>A, p.Ser127= (NM_001243232.1, NM_001306208.1); c.204G>A, p.Ser68= (NM_001243233.2, NM_001330605.3, NM_001348212.2 and 1 more transcripts); c.114G>A, p.Ser38= (NM_001243234.2, NM_001243235.2, NM_001243236.2 and 2 more transcripts); and 4 more.
Identifiers: ClinVar variation 512615 (VCV000512615.11), dbSNP rs368553922, ClinGen allele CA8970450.

ClinVar aggregate classification (germline): Likely benign. Review status: criteria provided, multiple submitters, no conflicts (2 of 4 stars). 4 submissions from 4 submitters: Likely benign (4). Last evaluated 2025-07-10.

Conditions:
Pitt-Hopkins syndrome (PTHS). Also called: ENCEPHALOPATHY, SEVERE EPILEPTIC, WITH AUTONOMIC DYSFUNCTION; MENTAL RETARDATION, SYNDROMAL, WITH INTERMITTENT HYPERVENTILATION. Identifiers: Orphanet 2896, MedGen C1970431, MONDO:0012589, OMIM 610954.

Allele frequency attached by ClinVar (database versions not stated): gnomAD 0.00001; gnomAD exomes 0.00004; ExAC 0.00005; TOPMed 0.00005; ESP Exome Variant Server 0.00015.
gnomAD v4.1: 77 of 1,613,814 alleles (0.0048%); highest among the groups gnomAD compares: Non-Finnish European, 0.0059%; no homozygotes.

Submissions (4):

Labcorp Genetics (formerly Invitae), Labcorp
Classification: Likely benign for Pitt-Hopkins syndrome. Last evaluated: 2025-07-10. Review status: criteria provided, single submitter. Criteria: Invitae Variant Classification Sherloc (09022015). Collection method: clinical testing. Allele origin: germline.

Blueprint Genetics
Classification: Likely benign. Last evaluated: 2024-05-27. Review status: criteria provided, single submitter. Criteria: ACMG Guidelines, 2015. Collection method: clinical testing. Allele origin: germline.

Athena Diagnostics
Classification: Likely benign. Last evaluated: 2019-02-08. Review status: criteria provided, single submitter. Criteria: Athena Diagnostics Criteria. Collection method: clinical testing. Allele origin: germline.

GeneDx
Classification: Likely benign. Last evaluated: 2017-10-13. Review status: criteria provided, single submitter. Criteria: GeneDx Variant Classification (06012015). Collection method: clinical testing. Allele origin: germline. Affected: yes.
Comment: This variant is considered likely benign or benign based on one or more of the following criteria: it is a conservative change, it occurs at a poorly conserved position in the protein, it is predicted to be benign by multiple in silico algorithms, and/or has population frequency not consistent with disease.